The following is an entry in ClinVar:

ClinVar aggregate classification (germline): Uncertain significance (1 of 4 stars; one submission).

Submission:

Labcorp Genetics (formerly Invitae), Labcorp
Classification: Uncertain significance. Last evaluated: 2024-09-05. Review status: criteria provided, single submitter. Criteria: Invitae Variant Classification Sherloc (09022015). Collection method: clinical testing. Allele origin: germline.
Comment: This sequence change replaces aspartic acid, which is acidic and polar, with asparagine, which is neutral and polar, at codon 165 of the JAK1 protein (p.Asp165Asn). This variant is not present in population databases (gnomAD no frequency). This variant has not been reported in the literature in individuals affected with JAK1-related conditions. Invitae Evidence Modeling of protein sequence and biophysical properties (such as structural, functional, and spatial information, amino acid conservation, physicochemical variation, residue mobility, and thermodynamic stability) indicates that this missense variant is expected to disrupt JAK1 protein function with a positive predictive value of 80%. In summary, the available evidence is currently insufficient to determine the role of this variant in disease. Therefore, it has been classified as a Variant of Uncertain Significance.

NM_002227.4(JAK1):c.493G>A (p.Asp165Asn)

Gene: JAK1 (Janus kinase 1; minus strand). Cytogenetic location: 1p31.3.
Variant type: single nucleotide variant.
Coding change: c.493G>A on transcript NM_002227.4 (MANE Select); coding-DNA position 493, G replaced by A.
Protein change: p.Asp165Asn; replaces aspartic acid 165 with asparagine.
Molecular consequence: missense variant.
Genome position (GRCh38, 1-based): chr1:64,869,465, C>T on the plus strand (G>A on the coding strand, the complement: JAK1 is on the minus strand). VCF-style: chr1-64869465-C-T. GRCh37 (hg19) VCF-style: chr1-65335148-C-T.
Other names: c.493G>A, p.Asp165Asn (NM_001320923.2, NM_001321852.2, NM_001321853.2 and 4 more transcripts); short protein forms D165N.
Identifiers: ClinVar variation 2701193 (VCV002701193.3), dbSNP rs2522966868, ClinGen allele CA340677160.
Genomic context (GRCh38, chr1:64,869,465, plus strand): 5'-TATCATGTCCATCCTGCTCGGTCTTGGGGTCTCGAATAGGAGCCAGGCATTTCACCAAAT[C>T]ATACTGTCCCTAGGAGCAAGGGGGAGAAACCATGAGAGCCCACCCGTTTTTGATCTTGAC-3'
Protein context (NP_002218.2, residues 155-175): LEYLFAQGQY[Asp165Asn]LVKCLAPIRD